The following is an entry in ClinVar:

ClinVar aggregate classification (germline): Likely pathogenic (1 of 4 stars; one submission).

Conditions:
Nizon-Isidor syndrome. Identifiers: MedGen C5394350, MONDO:0030030, OMIM 618872.

Submission:

Genetics and Molecular Pathology, SA Pathology
Classification: Likely pathogenic for Nizon-Isidor syndrome. Last evaluated: 2022-01-31. Review status: criteria provided, single submitter. Criteria: ACMG Guidelines, 2015. Collection method: clinical testing. Allele origin: germline. Inheritance: Autosomal dominant inheritance. Affected: yes.
Comment: The MED12L c.2116C>T variant is classified as LIKELY PATHOGENIC (PVS1, PM2) The maternally inherited MED12L c.2116C>T variant is a single nucleotide change which is predicted to result in premature termination of the protein product at codon 706 (PVS1). This variant has not been reported in dbSNP and is absent from population databases (PM2). This variant has not been reported in the ClinVar or HGMD disease databases.

NM_001393769.1(MED12L):c.2221C>T (p.Gln741Ter)

Gene: MED12L (mediator complex subunit 12L; plus strand). Cytogenetic location: 3q25.1.
Variant type: single nucleotide variant.
Coding change: c.2221C>T on transcript NM_001393769.1 (MANE Select); coding-DNA position 2221, C replaced by T.
Protein change: p.Gln741Ter; replaces glutamine 741 with a stop codon.
Molecular consequence: nonsense.
Genome position (GRCh38, 1-based): chr3:151,193,637, C>T. VCF-style: chr3-151193637-C-T. GRCh37 (hg19) VCF-style: chr3-150911424-C-T.
Other names: c.2116C>T, p.Gln706Ter (NM_053002.6); short protein forms Q706*, Q741*.
Identifiers: ClinVar variation 1698751 (VCV001698751.2), dbSNP rs1724263784, ClinGen allele CA354962028.